The following is an entry in ClinVar:

ClinVar aggregate classification (germline): Likely benign. Review status: reviewed by expert panel (3 of 4 stars). 8 submissions from 8 submitters: Likely benign (1). 7 of the submissions do not count toward it. Last evaluated 2023-11-14.

Conditions:
IL7R-related disorder. Also called: IL7R-related condition.
Immunodeficiency 104. Also called: Severe combined immunodeficiency, autosomal recessive, T cell-negative, B cell-positive, NK cell-positive; SCID, AUTOSOMAL RECESSIVE, T CELL-NEGATIVE, B CELL-POSITIVE, NK CELL-POSITIVE; IMMUNODEFICIENCY 104, SEVERE COMBINED; Severe Combined Immune Deficiency, Autosomal Recessive, TCell -Negative, B Cell-Positive, NK Cell-Positive, IL7R-Related. Identifiers: MedGen C5676890, MONDO:0012163, OMIM 608971.

Allele frequency attached by ClinVar (database versions not stated): ExAC 0.00128; gnomAD 0.00357; TOPMed 0.00476; ESP Exome Variant Server 0.00492; 1000 Genomes Project 0.00539; 1000 Genomes Project 30x 0.00593.

Submissions (8):

ClinGen Severe Combined Immunodeficiency Variant Curation Expert Panel, ClinGen
Classification: Likely benign for Immunodeficiency 104. Last evaluated: 2023-11-14. Review status: reviewed by expert panel. Criteria: ClinGen SCID ACMG Specifications IL7R V1.0.0. Collection method: curation. Allele origin: germline. Inheritance: Autosomal recessive inheritance.
Comment: The c.132C>T (p.Ser44=) variant (NM_002185.5) variant in IL7R is a synonymous (silent) variant that is not predicted to impact splicing (BP7). The filtering allele frequency (the lower threshold of the 95% CI of 342/24962) of the c.132C>T variant in IL7R is 0.01271 in exomes and 0.01082 in genomes for African/African American chromosomes by gnomAD v2.1.1. Both values are higher than the ClinGen SCID VCEP threshold (0.00126) for BS1 and therefore meet this criterion (BS1). In summary, this variant meets the criteria to be classified as likely benign for SCID. ACMG/AMP criteria applied, as specified by the ClinGen SCID VCEP: BP7 and BS1. (VCEP specifications version 1).

Labcorp Genetics (formerly Invitae), Labcorp
Classification: Benign for Immunodeficiency 104. Last evaluated: 2026-01-28. Review status: criteria provided, single submitter. Criteria: Invitae Variant Classification Sherloc (09022015). Collection method: clinical testing. Allele origin: germline. Not counted in ClinVar's aggregate classification.

Blueprint Genetics
Classification: Likely benign. Last evaluated: 2024-11-26. Review status: criteria provided, single submitter. Criteria: ACMG Guidelines, 2015. Collection method: clinical testing. Allele origin: germline. Not counted in ClinVar's aggregate classification.

CeGaT Center for Human Genetics Tuebingen
Classification: Benign. Last evaluated: 2023-04-01. Review status: criteria provided, single submitter. Criteria: CeGaT Center For Human Genetics Tuebingen Variant Classification Criteria Version 2. Collection method: clinical testing. Allele origin: germline. Affected: yes. Observed: 1 variant allele. Not counted in ClinVar's aggregate classification.
Comment: IL7R: BP4, BP7, BS1, BS2

ARUP Laboratories, Molecular Genetics and Genomics, ARUP Laboratories
Classification: Benign for Immunodeficiency 104. Last evaluated: 2021-09-08. Review status: criteria provided, single submitter. Criteria: ARUP Molecular Germline Variant Investigation Process 2021. Collection method: clinical testing. Allele origin: germline. Not counted in ClinVar's aggregate classification.

Illumina Laboratory Services, Illumina
Classification: Likely benign for Immunodeficiency 104. Last evaluated: 2017-04-27. Review status: criteria provided, single submitter. Criteria: ICSL Variant Classification Criteria 13 December 2019. Collection method: clinical testing. Allele origin: germline. Not counted in ClinVar's aggregate classification.
Comment: This variant was observed as part of a predisposition screen in an ostensibly healthy population. A literature search was performed for the gene, cDNA change, and amino acid change (where applicable). No publications were found based on this search. Allele frequency data from public databases allowed determination this variant is unlikely to cause disease. Therefore, this variant is classified as likely benign.

GeneDx
Classification: Benign. Last evaluated: 2015-07-21. Review status: criteria provided, single submitter. Criteria: GeneDx Variant Classification (06012015). Collection method: clinical testing. Allele origin: germline. Affected: yes. Not counted in ClinVar's aggregate classification.
Comment: This variant is considered likely benign or benign based on one or more of the following criteria: it is a conservative change, it occurs at a poorly conserved position in the protein, it is predicted to be benign by multiple in silico algorithms, and/or has population frequency not consistent with disease.

PreventionGenetics, part of Exact Sciences
Classification: Benign for IL7R-related condition. Last evaluated: 2023-12-04. Review status: no assertion criteria provided. Collection method: clinical testing. Allele origin: germline. Not counted in ClinVar's aggregate classification.
Comment: This variant is classified as benign based on ACMG/AMP sequence variant interpretation guidelines (Richards et al. 2015 PMID: 25741868, with internal and published modifications).

NM_002185.5(IL7R):c.132C>T (p.Ser44=)

Gene: IL7R (interleukin 7 receptor; plus strand). Cytogenetic location: 5p13.2.
Variant type: single nucleotide variant.
Coding change: c.132C>T on transcript NM_002185.5 (MANE Select); coding-DNA position 132, C replaced by T.
Protein change: p.Ser44=; no amino-acid change (serine 44 retained).
Molecular consequence: synonymous variant. On other transcripts: non-coding transcript variant (1).
Genome position (GRCh38, 1-based): chr5:35,860,901, C>T. VCF-style: chr5-35860901-C-T. GRCh37 (hg19) VCF-style: chr5-35861003-C-T.
Other names: NM_002185.5(IL7R):c.132C>T; p.Ser44=.
Identifiers: ClinVar variation 377976 (VCV000377976.46), dbSNP rs11567704, ClinGen allele CA3231851.